The following is an entry in ClinVar:

NM_000064.4(C3):c.115G>A (p.Glu39Lys)

Gene: C3 (complement C3; minus strand). Cytogenetic location: 19p13.3.
Variant type: single nucleotide variant.
Coding change: c.115G>A on transcript NM_000064.4 (MANE Select); coding-DNA position 115, G replaced by A.
Protein change: p.Glu39Lys; replaces glutamic acid 39 with lysine.
Molecular consequence: missense variant.
Genome position (GRCh38, 1-based): chr19:6,719,363, C>T on the plus strand (G>A on the coding strand, the complement: C3 is on the minus strand). VCF-style: chr19-6719363-C-T. GRCh37 (hg19) VCF-style: chr19-6719374-C-T.
Other names: short protein forms E39K.
Identifiers: ClinVar variation 2193287 (VCV002193287.3), dbSNP rs771084936, ClinGen allele CA9129895.

ClinVar aggregate classification (germline): Uncertain significance (1 of 4 stars; one submission).

Allele frequency attached by ClinVar (database versions not stated): TOPMed below 0.00001; ExAC 0.00001; gnomAD exomes 0.00001.

Submission:

Labcorp Genetics (formerly Invitae), Labcorp
Classification: Uncertain significance. Last evaluated: 2025-06-12. Review status: criteria provided, single submitter. Criteria: Invitae Variant Classification Sherloc (09022015). Collection method: clinical testing. Allele origin: germline.
Comment: This sequence change replaces glutamic acid, which is acidic and polar, with lysine, which is basic and polar, at codon 39 of the C3 protein (p.Glu39Lys). This variant is present in population databases (rs771084936, gnomAD 0.02%). This variant has not been reported in the literature in individuals affected with C3-related conditions. ClinVar contains an entry for this variant (Variation ID: 2193287). Invitae Evidence Modeling of protein sequence and biophysical properties (such as structural, functional, and spatial information, amino acid conservation, physicochemical variation, residue mobility, and thermodynamic stability) indicates that this missense variant is not expected to disrupt C3 protein function with a negative predictive value of 80%. In summary, the available evidence is currently insufficient to determine the role of this variant in disease. Therefore, it has been classified as a Variant of Uncertain Significance.